The following is an entry in ClinVar:

NM_003906.5(MCM3AP):c.3421G>C (p.Glu1141Gln)

Gene: MCM3AP (minichromosome maintenance complex component 3 associated protein; minus strand). Cytogenetic location: 21q22.3.
Variant type: single nucleotide variant.
Coding change: c.3421G>C on transcript NM_003906.5 (MANE Select); coding-DNA position 3421, G replaced by C.
Protein change: p.Glu1141Gln; replaces glutamic acid 1141 with glutamine.
Molecular consequence: missense variant.
Genome position (GRCh38, 1-based): chr21:46,261,326, C>G on the plus strand (G>C on the coding strand, the complement: MCM3AP is on the minus strand). VCF-style: chr21-46261326-C-G. GRCh37 (hg19) VCF-style: chr21-47681240-C-G.
Other names: short protein forms E1141Q.
Identifiers: ClinVar variation 2093167 (VCV002093167.4), dbSNP rs2517375102, ClinGen allele CA410555523.

ClinVar aggregate classification (germline): Uncertain significance (1 of 4 stars; one submission).

Submission:

Labcorp Genetics (formerly Invitae), Labcorp
Classification: Uncertain significance. Last evaluated: 2025-06-20. Review status: criteria provided, single submitter. Criteria: Invitae Variant Classification Sherloc (09022015). Collection method: clinical testing. Allele origin: germline.
Comment: This sequence change replaces glutamic acid, which is acidic and polar, with glutamine, which is neutral and polar, at codon 1141 of the MCM3AP protein (p.Glu1141Gln). This variant is not present in population databases (gnomAD no frequency). This variant has not been reported in the literature in individuals affected with MCM3AP-related conditions. ClinVar contains an entry for this variant (Variation ID: 2093167). An algorithm developed to predict the effect of missense changes on protein structure and function (PolyPhen-2) suggests that this variant is likely to be disruptive. In summary, the available evidence is currently insufficient to determine the role of this variant in disease. Therefore, it has been classified as a Variant of Uncertain Significance.